The following is an entry in ClinVar:

NM_206933.4(USH2A):c.11709C>G (p.Tyr3903Ter)

Gene: USH2A (usherin; minus strand). Cytogenetic location: 1q41.
Variant type: single nucleotide variant.
Coding change: c.11709C>G on transcript NM_206933.4 (MANE Select); coding-DNA position 11709, C replaced by G.
Protein change: p.Tyr3903Ter; replaces tyrosine 3903 with a stop codon.
Molecular consequence: nonsense.
Genome position (GRCh38, 1-based): chr1:215,741,377, G>C on the plus strand (C>G on the coding strand, the complement: USH2A is on the minus strand). VCF-style: chr1-215741377-G-C. GRCh37 (hg19) VCF-style: chr1-215914719-G-C.
Other names: c.11709C>G (NM_206933.2); short protein forms Y3903*.
Identifiers: ClinVar variation 1074618 (VCV001074618.9), dbSNP rs1325668081, ClinGen allele CA344833060.

ClinVar aggregate classification (germline): Pathogenic. Review status: criteria provided, multiple submitters, no conflicts (2 of 4 stars). 3 submissions from 3 submitters: Pathogenic (3). Last evaluated 2026-07-24.

Conditions:
Usher syndrome type 2A. Also called: RETINAL DISEASE IN USHER SYNDROME TYPE IIA, MODIFIER OF; USHER SYNDROME, TYPE IIA. Identifiers: Orphanet 231178, Orphanet 886, MedGen C1848634, MONDO:0010169, OMIM 276901.
Retinal disorder. Also called: Retinopathy; Retinopathies; Retinal Diseases; Retinal disorders. Identifiers: MedGen C0035309, MONDO:0005283, HP:0000488.

Allele frequency attached by ClinVar (database versions not stated): gnomAD exomes below 0.00001.
gnomAD v4.1: 2 of 1,613,956 alleles (0.00012%); highest among the groups gnomAD compares: South Asian, 0.0022%; no homozygotes.

Submissions (3):

Genetics Laboratory, Great Ormond Street Hospital NHS Foundation Trust, North Thames Genomic Laboratory Hub
Classification: Pathogenic for Retinal disorders. Last evaluated: 2026-07-24. Review status: criteria provided, single submitter. Criteria: ACGS Best Practice Guidelines for Variant Classification in Rare Disease 2024 v1.2. Collection method: clinical testing. Allele origin: germline. Affected: yes.
Comment: PM2_moderate, PVS1_very-strong, PM3_moderate

Natera, Inc.
Classification: Pathogenic for Usher syndrome type 2A. Last evaluated: 2025-06-06. Review status: criteria provided, single submitter. Criteria: Natera Variant Classification Schema (03/2026). Collection method: clinical testing. Allele origin: germline.
Comment: The c.11709C>G variant in USH2A is a nonsense variant predicted to introduce a stop codon at amino acid 3903. This variant is expected to result in nonsense mediated decay, truncation, or a dysfunctional protein product. This variant is rare in the general population with a frequency below the threshold expected for the associated phenotype(s). This variant has been observed in one or more individuals affected with the associated recessive disease, as either homozygous or compound heterozygous with a second variant (PMID: 38219857, 36011334). Given the available evidence, this variant is classified as Pathogenic.

Labcorp Genetics (formerly Invitae), Labcorp
Classification: Pathogenic. Last evaluated: 2024-03-27. Review status: criteria provided, single submitter. Criteria: Invitae Variant Classification Sherloc (09022015). Collection method: clinical testing. Allele origin: germline.
Comment: This sequence change creates a premature translational stop signal (p.Tyr3903*) in the USH2A gene. It is expected to result in an absent or disrupted protein product. Loss-of-function variants in USH2A are known to be pathogenic (PMID: 10729113, 10909849, 20507924, 25649381). This variant is not present in population databases (gnomAD no frequency). This variant has not been reported in the literature in individuals affected with USH2A-related conditions. ClinVar contains an entry for this variant (Variation ID: 1074618). For these reasons, this variant has been classified as Pathogenic.

Literature cited by the submitters: PubMed 38219857 (cited by Natera, Inc.); PubMed 36011334 (cited by Natera, Inc.); PubMed 10729113 (cited by Labcorp Genetics (formerly Invitae), Labcorp); PubMed 10909849 (cited by Labcorp Genetics (formerly Invitae), Labcorp); PubMed 20507924 (cited by Labcorp Genetics (formerly Invitae), Labcorp); PubMed 25649381 (cited by Labcorp Genetics (formerly Invitae), Labcorp).